The following is an entry in ClinVar:

ClinVar aggregate classification (germline): Likely benign (1 of 4 stars; one submission).

Allele frequency attached by ClinVar (database versions not stated): gnomAD exomes below 0.00001 and 0.00001; ExAC 0.00001; gnomAD 0.00001; TOPMed 0.00002.
gnomAD v4.1: 5 of 1,613,942 alleles (0.00031%); highest among the groups gnomAD compares: African/African-American, 0.004%; no homozygotes.

Submission:

GeneDx
Classification: Likely benign. Last evaluated: 2016-08-15. Review status: criteria provided, single submitter. Criteria: GeneDx Variant Classification (06012015). Collection method: clinical testing. Allele origin: germline. Affected: yes.
Comment: This variant is considered likely benign or benign based on one or more of the following criteria: it is a conservative change, it occurs at a poorly conserved position in the protein, it is predicted to be benign by multiple in silico algorithms, and/or has population frequency not consistent with disease.

NM_001114753.3(ENG):c.1687-17C>T

Genes: ENG (endoglin; minus strand), LOC102723566 (uncharacterized LOC102723566; plus strand). Cytogenetic location: 9q34.11.
Variant type: single nucleotide variant.
Coding change: c.1687-17C>T on transcript NM_001114753.3 (MANE Select); 17 bases into the intron before coding-DNA position 1687, C replaced by T.
Molecular consequence: intron variant. On other transcripts: non-coding transcript variant (1).
Genome position (GRCh38, 1-based): chr9:127,817,220, G>A on the plus strand (C>T on the coding strand, the complement: ENG is on the minus strand). VCF-style: chr9-127817220-G-A. GRCh37 (hg19) VCF-style: chr9-130579499-G-A.
Other names: c.1687-17C>T (NM_000118.4); c.1141-17C>T (NM_001278138.2).
Identifiers: ClinVar variation 388615 (VCV000388615.3), dbSNP rs769004991, ClinGen allele CA5252682.
Genomic context (GRCh38, chr9:127,817,220, plus strand): 5'-GGGCTGATGATGTTCAAGCGCATGAAGACAGTCCTATGGACTTCCTGGAGGAGAAAGAGA[G>A]AGCAGTATGTGGCACCTTTGGGAGGCGGCTTCCAGGTTTACTCCCTGGCTCCGTGACCCC-3'